The following is an entry in ClinVar:

NM_004991.4(MECOM):c.748C>T (p.Leu250Phe)

Gene: MECOM (MDS1 and EVI1 complex locus; minus strand). Cytogenetic location: 3q26.2.
Variant type: single nucleotide variant.
Coding change: c.748C>T on transcript NM_004991.4 (MANE Select); coding-DNA position 748, C replaced by T.
Protein change: p.Leu250Phe; replaces leucine 250 with phenylalanine.
Molecular consequence: missense variant.
Genome position (GRCh38, 1-based): chr3:169,127,926, G>A on the plus strand (C>T on the coding strand, the complement: MECOM is on the minus strand). VCF-style: chr3-169127926-G-A. GRCh37 (hg19) VCF-style: chr3-168845714-G-A.
Other names: c.376C>T, p.Leu126Phe (NM_001105077.4); c.184C>T, p.Leu62Phe (NM_001105078.4, NM_001163999.2, NM_001164000.2 and 9 more transcripts); c.748C>T, p.Leu250Phe (NM_001366466.2, NM_001366473.2); short protein forms L126F, L250F, L62F.
Identifiers: ClinVar variation 3871751 (VCV003871751.1).

ClinVar aggregate classification (germline): Uncertain significance (1 of 4 stars; one submission).

Conditions:
Inborn genetic diseases. Identifiers: MedGen C0950123, MeSH D030342.

Submission:

Ambry Genetics
Classification: Uncertain significance for Inborn genetic diseases. Last evaluated: 2025-01-27. Review status: criteria provided, single submitter. Criteria: Ambry Variant Classification Scheme 2023. Collection method: clinical testing. Allele origin: germline.
Comment: The p.L250F variant (also known as c.748C>T), located in coding exon 5 of the MECOM gene, results from a C to T substitution at nucleotide position 748. The leucine at codon 250 is replaced by phenylalanine, an amino acid with highly similar properties. This amino acid position is conserved. In addition, this alteration is predicted to be tolerated by in silico analysis. Based on the available evidence, the clinical significance of this variant remains unclear.